The following is an entry in ClinVar:

ClinVar aggregate classification (germline): Uncertain significance. Review status: criteria provided, multiple submitters, no conflicts (2 of 4 stars). 2 submissions from 2 submitters: Uncertain significance (2). Last evaluated 2022-08-12.

Conditions:
Inborn genetic diseases. Identifiers: MedGen C0950123, MeSH D030342.

Allele frequency attached by ClinVar (database versions not stated): ExAC 0.00004; gnomAD exomes 0.00005; TOPMed 0.00008; gnomAD 0.00009.
gnomAD v4.1: 84 of 1,609,764 alleles (0.0052%); highest among the groups gnomAD compares: East Asian, 0.038%; 1 homozygote.

Submissions (2):

Labcorp Genetics (formerly Invitae), Labcorp
Classification: Uncertain significance. Last evaluated: 2022-08-12. Review status: criteria provided, single submitter. Criteria: Invitae Variant Classification Sherloc (09022015). Collection method: clinical testing. Allele origin: germline.
Comment: This sequence change replaces arginine, which is basic and polar, with glutamine, which is neutral and polar, at codon 606 of the SLC9A3 protein (p.Arg606Gln). This variant is present in population databases (rs745750367, gnomAD 0.05%). This variant has not been reported in the literature in individuals affected with SLC9A3-related conditions. Algorithms developed to predict the effect of missense changes on protein structure and function output the following: SIFT: "Not Available"; PolyPhen-2: "Benign"; Align-GVGD: "Not Available". The glutamine amino acid residue is found in multiple mammalian species, which suggests that this missense change does not adversely affect protein function. In summary, the available evidence is currently insufficient to determine the role of this variant in disease. Therefore, it has been classified as a Variant of Uncertain Significance.

Ambry Genetics
Classification: Uncertain significance for Inborn genetic diseases. Last evaluated: 2021-07-06. Review status: criteria provided, single submitter. Criteria: Ambry Variant Classification Scheme 2023. Collection method: clinical testing. Allele origin: germline.

NM_004174.4(SLC9A3):c.1817G>A (p.Arg606Gln)

Genes: SLC9A3 (solute carrier family 9 member A3), SLC9A3-AS1 (SLC9A3 antisense RNA 1; plus strand). Cytogenetic location: 5p15.33.
Variant type: single nucleotide variant.
Coding change: c.1817G>A on transcript NM_004174.4 (MANE Select); coding-DNA position 1817, G replaced by A.
Protein change: p.Arg606Gln; replaces arginine 606 with glutamine.
Molecular consequence: missense variant.
Genome position (GRCh38, 1-based): chr5:476,616, C>T on the plus strand (G>A on the coding strand, the complement: SLC9A3 is on the minus strand). VCF-style: chr5-476616-C-T. GRCh37 (hg19) VCF-style: chr5-476731-C-T.
Other names: c.1790G>A, p.Arg597Gln (NM_001284351.3); short protein forms R597Q, R606Q.
Identifiers: ClinVar variation 2074362 (VCV002074362.2), dbSNP rs745750367, ClinGen allele CA3175697.